The following is an entry in ClinVar:

NM_002334.4(LRP4):c.2910C>T (p.Ser970=)

Gene: LRP4 (LDL receptor related protein 4; minus strand). Cytogenetic location: 11p11.2.
Variant type: single nucleotide variant.
Coding change: c.2910C>T on transcript NM_002334.4 (MANE Select); coding-DNA position 2910, C replaced by T.
Protein change: p.Ser970=; no amino-acid change (serine 970 retained).
Molecular consequence: synonymous variant.
Genome position (GRCh38, 1-based): chr11:46,879,220, G>A on the plus strand (C>T on the coding strand, the complement: LRP4 is on the minus strand). VCF-style: chr11-46879220-G-A. GRCh37 (hg19) VCF-style: chr11-46900771-G-A.
Other names: c.2910C>T (NM_002334.3).
Identifiers: ClinVar variation 1598030 (VCV001598030.10), dbSNP rs754936858, ClinGen allele CA5969757.

ClinVar aggregate classification (germline): Likely benign. Review status: criteria provided, multiple submitters, no conflicts (2 of 4 stars). 3 submissions from 3 submitters: Likely benign (3). Last evaluated 2026-04-16.

Conditions:
LRP4-related disorder. Also called: LRP4-related condition.
Cenani-Lenz syndactyly syndrome. Also called: SYNDACTYLY, TYPE VII; CENANI SYNDACTYLISM. Identifiers: Orphanet 3258, MedGen C1859309, MONDO:0008931, OMIM 212780.
Sclerosteosis 2 (SOST2). Identifiers: Orphanet 3152, MedGen C3280402, MONDO:0013679, OMIM 614305.
Congenital myasthenic syndrome 17. Identifiers: Orphanet 590, MedGen C4225377, MONDO:0014578, OMIM 616304.

Allele frequency attached by ClinVar (database versions not stated): gnomAD exomes 0.00002; ExAC 0.00003.
gnomAD v4.1: 32 of 1,614,206 alleles (0.002%); highest among the groups gnomAD compares: South Asian, 0.013%; no homozygotes.

Submissions (3):

PreventionGenetics, part of Exact Sciences
Classification: Likely benign for LRP4-related condition. Last evaluated: 2026-04-16. Review status: criteria provided, single submitter. Criteria: ACMG Guidelines, 2015. Collection method: clinical testing. Allele origin: germline.
Comment: This variant is classified as likely benign based on ACMG/AMP sequence variant interpretation guidelines (Richards et al. 2015 PMID: 25741868, with internal and published modifications).

Labcorp Genetics (formerly Invitae), Labcorp
Classification: Likely benign for Cenani-Lenz syndactyly syndrome; Sclerosteosis 2; Congenital myasthenic syndrome 17. Last evaluated: 2024-03-01. Review status: criteria provided, single submitter. Criteria: Invitae Variant Classification Sherloc (09022015). Collection method: clinical testing. Allele origin: germline.

Blueprint Genetics
Classification: Likely benign. Last evaluated: 2023-05-16. Review status: criteria provided, single submitter. Criteria: ACMG Guidelines, 2015. Collection method: clinical testing. Allele origin: germline.